The following is an entry in ClinVar:

ClinVar aggregate classification (germline): Pathogenic/Likely pathogenic. Review status: criteria provided, multiple submitters, no conflicts (2 of 4 stars). 4 submissions from 4 submitters: Pathogenic (1); Likely pathogenic (2). 1 of the submissions does not count toward it. Last evaluated 2025-08-11.

Conditions:
Osteogenesis imperfecta type 10 (OI10). Also called: OI, TYPE X. Identifiers: Orphanet 666, MedGen C3151211, MONDO:0013459, OMIM 613848.

Allele frequency attached by ClinVar (database versions not stated): gnomAD exomes below 0.00001.
gnomAD v4.1: 2 of 1,613,038 alleles (0.00012%); highest among the groups gnomAD compares: Non-Finnish European, 0.000085%; no homozygotes.

Submissions (4):

Labcorp Genetics (formerly Invitae), Labcorp
Classification: Pathogenic. Last evaluated: 2025-08-11. Review status: criteria provided, single submitter. Criteria: Invitae Variant Classification Sherloc (09022015). Collection method: clinical testing. Allele origin: germline.
Comment: This sequence change replaces methionine, which is neutral and non-polar, with threonine, which is neutral and polar, at codon 237 of the SERPINH1 protein (p.Met237Thr). This variant is not present in population databases (gnomAD no frequency). This missense change has been observed in individuals with clinical features of osteogenesis imperfecta (PMID: 25510505, 36709916; internal data). It has also been observed to segregate with disease in related individuals. ClinVar contains an entry for this variant (Variation ID: 265865). Invitae Evidence Modeling of protein sequence and biophysical properties (such as structural, functional, and spatial information, amino acid conservation, physicochemical variation, residue mobility, and thermodynamic stability) indicates that this missense variant is expected to disrupt SERPINH1 protein function with a positive predictive value of 80%. For these reasons, this variant has been classified as Pathogenic.

Dasa
Classification: Likely pathogenic for Osteogenesis imperfecta type 10. Last evaluated: 2025-06-27. Review status: criteria provided, single submitter. Criteria: DASA Assertion Criteria. Collection method: clinical testing. Allele origin: germline.
Comment: NM_001235.5(SERPINH1):c.710T>C (p.Met237Thr) is a missense variant that results in the substitution of methionine with threonine. This variant has been reported in individuals with SERPINH1-related disorders (PMID: 25510505). Functional evidence supports an impact on the gene or gene product (PMID: 25510505). Also, this variant is rare in population databases. Computational evidence supports a deleterious effect. Based on the currently available evidence, this variant is classified as likely pathogenic.

Laboratorio de Genetica e Diagnostico Molecular, Hospital Israelita Albert Einstein
Classification: Likely pathogenic for Osteogenesis imperfecta type 10. Last evaluated: 2022-09-05. Review status: criteria provided, single submitter. Criteria: ACMG Guidelines, 2015. Collection method: clinical testing. Allele origin: germline. Affected: yes. Observed: 1 variant allele.
Comment: ACMG classification criteria: PS3 supporting, PS4 moderated, PM2 moderated, PM3 moderated, PP1 supporting, PP3 supporting

OMIM
Classification: Pathogenic for OSTEOGENESIS IMPERFECTA, TYPE X. Last evaluated: 2016-10-12. Review status: no assertion criteria provided. Collection method: literature only. Allele origin: germline. Not counted in ClinVar's aggregate classification.

Literature cited by the submitters: PubMed 25510505 (cited by 3 submitters); PubMed 36709916 (cited by Labcorp Genetics (formerly Invitae), Labcorp); PubMed 28177155 (cited by Dasa).

NM_001235.5(SERPINH1):c.710T>C (p.Met237Thr)

Gene: SERPINH1 (serpin family H member 1; plus strand). Cytogenetic location: 11q13.5.
Variant type: single nucleotide variant.
Coding change: c.710T>C on transcript NM_001235.5 (MANE Select); coding-DNA position 710, T replaced by C.
Protein change: p.Met237Thr; replaces methionine 237 with threonine.
Molecular consequence: missense variant.
Genome position (GRCh38, 1-based): chr11:75,568,818, T>C. VCF-style: chr11-75568818-T-C. GRCh37 (hg19) VCF-style: chr11-75279863-T-C.
Other names: c.710T>C, p.Met237Thr (NM_001207014.3); c.710T>C (NM_001207014.2); short protein forms M237T.
Identifiers: ClinVar variation 265865 (VCV000265865.8), dbSNP rs886039819, ClinGen allele CA10588848.